The following is an entry in ClinVar:

ClinVar aggregate classification (germline): Uncertain significance (1 of 4 stars; one submission).

Conditions:
Cardiovascular phenotype. Identifiers: MedGen CN230736.

Submission:

Ambry Genetics
Classification: Uncertain significance for Cardiovascular phenotype. Last evaluated: 2023-01-20. Review status: criteria provided, single submitter. Criteria: Ambry Variant Classification Scheme 2023. Collection method: clinical testing. Allele origin: germline.
Comment: The p.R105P variant (also known as c.314G>C), located in coding exon 1 of the DES gene, results from a G to C substitution at nucleotide position 314. The arginine at codon 105 is replaced by proline, an amino acid with dissimilar properties. This amino acid position is conserved. In addition, this alteration is predicted to be deleterious by in silico analysis. Since supporting evidence is limited at this time, the clinical significance of this alteration remains unclear.

NM_001927.4(DES):c.314G>C (p.Arg105Pro)

Gene: DES (desmin; plus strand). Cytogenetic location: 2q35.
Variant type: single nucleotide variant.
Coding change: c.314G>C on transcript NM_001927.4 (MANE Select); coding-DNA position 314, G replaced by C.
Protein change: p.Arg105Pro; replaces arginine 105 with proline.
Molecular consequence: missense variant.
Genome position (GRCh38, 1-based): chr2:219,418,776, G>C. VCF-style: chr2-219418776-G-C. GRCh37 (hg19) VCF-style: chr2-220283498-G-C.
Other names: c.314G>C, p.Arg105Pro (NM_001382708.1, NM_001382709.1, NM_001382710.1 and 3 more transcripts); short protein forms R105P.
Identifiers: ClinVar variation 2450703 (VCV002450703.2), dbSNP rs1406795636, ClinGen allele CA350685163.